The following is an entry in ClinVar:

ClinVar aggregate classification (germline): Uncertain significance (1 of 4 stars; one submission).

Conditions:
Aniridia 1 (AN1). Identifiers: Orphanet 250923, MedGen C0344542, MONDO:0024507, OMIM 106210.
Irido-corneo-trabecular dysgenesis (ASGD5). Also called: ANTERIOR SEGMENT DYSGENESIS 5. Identifiers: Orphanet 708, MedGen C0344559, MONDO:0011414, OMIM 604229, HP:0000659.

Allele frequency attached by ClinVar (database versions not stated): gnomAD exomes below 0.00001.
gnomAD v4.1: 1 of 1,590,600 alleles (0.000063%); highest among the groups gnomAD compares: Non-Finnish European, 0.000086%; no homozygotes.

Submission:

Labcorp Genetics (formerly Invitae), Labcorp
Classification: Uncertain significance for Aniridia 1; Irido-corneo-trabecular dysgenesis. Last evaluated: 2025-09-02. Review status: criteria provided, single submitter. Criteria: Invitae Variant Classification Sherloc (09022015). Collection method: clinical testing. Allele origin: germline.
Comment: This sequence change falls in intron 8 of the PAX6 gene. It does not directly change the encoded amino acid sequence of the PAX6 protein. This variant is not present in population databases (gnomAD no frequency). This variant has not been reported in the literature in individuals affected with PAX6-related conditions. ClinVar contains an entry for this variant (Variation ID: 2950676). Algorithms developed to predict the effect of sequence changes on RNA splicing suggest that this variant may disrupt the consensus splice site. In summary, the available evidence is currently insufficient to determine the role of this variant in disease. Therefore, it has been classified as a Variant of Uncertain Significance.

NM_001368894.2(PAX6):c.725-8T>A

Gene: PAX6 (paired box 6; minus strand). Cytogenetic location: 11p13.
Variant type: single nucleotide variant.
Coding change: c.725-8T>A on transcript NM_001368894.2 (MANE Select); 8 bases into the intron before coding-DNA position 725, T replaced by A.
Molecular consequence: intron variant.
Genome position (GRCh38, 1-based): chr11:31,794,122, A>T on the plus strand (T>A on the coding strand, the complement: PAX6 is on the minus strand). VCF-style: chr11-31794122-A-T. GRCh37 (hg19) VCF-style: chr11-31815670-A-T.
Other names: c.683-8T>A (NM_001127612.3, NM_001368890.2, NM_001368888.2 and 10 more transcripts); c.524-8T>A (NM_001368921.2, NM_001368923.2, NM_001368926.2 and 4 more transcripts); c.725-8T>A (NM_001258462.3, NM_001310158.2, NM_001258463.2 and 6 more transcripts); c.800-8T>A (NM_001368919.2, NM_001368918.2); c.926-8T>A (NM_001368910.2); c.275-8T>A (NM_001368909.2, NM_001368904.2, NM_001368905.2 and 11 more transcripts); c.728-8T>A (NM_001368911.2); c.482-8T>A (NM_001368928.2); and 2 more.
Identifiers: ClinVar variation 2950676 (VCV002950676.3), dbSNP rs2495181715, ClinGen allele CA2612968801.